The following is an entry in ClinVar:

NM_198525.3(KIF7):c.3518-3T>C

Genes: KIF7 (kinesin family member 7; minus strand), LOC126862216 (BRD4-independent group 4 enhancer GRCh37_chr15:90171995-90173194; plus strand). Cytogenetic location: 15q26.1.
Variant type: single nucleotide variant.
Coding change: c.3518-3T>C on transcript NM_198525.3 (MANE Select); 3 bases into the intron before coding-DNA position 3518, T replaced by C.
Molecular consequence: intron variant.
Genome position (GRCh38, 1-based): chr15:89,629,125, A>G on the plus strand (T>C on the coding strand, the complement: KIF7 is on the minus strand). VCF-style: chr15-89629125-A-G. GRCh37 (hg19) VCF-style: chr15-90172356-A-G.
Identifiers: ClinVar variation 1490581 (VCV001490581.6), dbSNP rs2141992844, ClinGen allele CA2573151360.

ClinVar aggregate classification (germline): Uncertain significance (1 of 4 stars; one submission).

Conditions:
Acrocallosal syndrome (ACLS). Also called: Schinzel syndrome 1; Absence of corpus callosum with unusual facial appearance, mental deficiency, duplication of the halluces and polydactyly; HALLUX DUPLICATION, POSTAXIAL POLYDACTYLY, AND ABSENCE OF CORPUS CALLOSUM. Identifiers: Orphanet 36, MedGen C0796147, MONDO:0008708, OMIM 200990.

Submission:

Labcorp Genetics (formerly Invitae), Labcorp
Classification: Uncertain significance for Acrocallosal syndrome. Last evaluated: 2021-08-22. Review status: criteria provided, single submitter. Criteria: Invitae Variant Classification Sherloc (09022015). Collection method: clinical testing. Allele origin: germline.
Comment: This sequence change falls in intron 17 of the KIF7 gene. It does not directly change the encoded amino acid sequence of the KIF7 protein. It affects a nucleotide within the consensus splice site of the intron. This variant is not present in population databases (ExAC no frequency). This variant has not been reported in the literature in individuals affected with KIF7-related conditions. Variants that disrupt the consensus splice site are a relatively common cause of aberrant splicing (PMID: 17576681, 9536098). Algorithms developed to predict the effect of sequence changes on RNA splicing suggest that this variant is not likely to affect RNA splicing. In summary, the available evidence is currently insufficient to determine the role of this variant in disease. Therefore, it has been classified as a Variant of Uncertain Significance.

Literature cited by the submitters: PubMed 17576681; PubMed 9536098.